The following is an entry in ClinVar:

ClinVar aggregate classification (germline): Pathogenic. Review status: reviewed by expert panel (3 of 4 stars). 16 submissions from 16 submitters: Pathogenic (1). 15 of the submissions do not count toward it. Last evaluated 2016-09-08.

Conditions:
BRCA2-related disorder. Also called: BRCA2-related condition; BRCA2-related disorders. Identifiers: MedGen CN239275.
Hereditary cancer-predisposing syndrome. Also called: Neoplastic Syndromes, Hereditary; Hereditary Cancer Syndrome; Tumor predisposition; Hereditary neoplastic syndrome. Identifiers: Orphanet 140162, MedGen C0027672, MeSH D009386, MONDO:0015356.
Hereditary breast ovarian cancer syndrome. Also called: BRCA1- and BRCA2-Associated Hereditary Breast and Ovarian Cancer; Hereditary breast and ovarian cancer syndrome; Hereditary breast and ovarian cancer syndrome (HBOC); Hereditary breast and/or ovarian cancer syndrome; Hereditary breast and ovarian cancer; Breast and ovarian cancer. Identifiers: Orphanet 145, MedGen C0677776, MeSH D061325, MONDO:0003582. Disease mechanism: loss of function.
Breast-ovarian cancer, familial, susceptibility to, 2 (BROVCA2). Also called: BRCA2 Hereditary Breast and Ovarian Cancer. Identifiers: Orphanet 145, MedGen C2675520, MONDO:0012933, OMIM 612555. Disease mechanism: loss of function.
Familial cancer of breast. Also called: hereditary breast carcinoma; Hereditary breast cancer; BREAST CANCER, FAMILIAL. Identifiers: Orphanet 227535, MedGen C0346153, MONDO:0016419, OMIM 114480. Disease mechanism: loss of function.

Allele frequency attached by ClinVar (database versions not stated): TOPMed 0.00001.
gnomAD v4.1: 1 of 1,595,496 alleles (0.000063%); highest among the groups gnomAD compares: Non-Finnish European, 0.000085%; no homozygotes.

Submissions 1 to 10 of 16:

Evidence-based Network for the Interpretation of Germline Mutant Alleles (ENIGMA)
Classification: Pathogenic for Breast-ovarian cancer, familial, susceptibility to, 2. Last evaluated: 2016-09-08. Review status: reviewed by expert panel. Criteria: ENIGMA BRCA1/2 Classification Criteria (2015). Collection method: curation. Allele origin: germline.
Comment: Variant allele predicted to encode a truncated non-functional protein.

Dasa
Classification: Pathogenic for Breast-ovarian cancer, familial, susceptibility to, 2. Last evaluated: 2026-01-19. Review status: criteria provided, single submitter. Criteria: DASA Assertion Criteria. Collection method: clinical testing. Allele origin: germline. Not counted in ClinVar's aggregate classification.
Comment: NM_000059.4(BRCA2):c.4222C>T (p.Gln1408*) introduces a premature termination codon predicted to result in loss of normal protein function. Loss-of-function is an established mechanism of disease for this gene. The affected residue or protein region has prior evidence supporting clinical relevance. The variant is present at low frequency in population datasets. Based on the available data, this variant is classified as pathogenic.

Labcorp Genetics (formerly Invitae), Labcorp
Classification: Pathogenic for Hereditary breast ovarian cancer syndrome. Last evaluated: 2026-01-05. Review status: criteria provided, single submitter. Criteria: Invitae Variant Classification Sherloc (09022015). Collection method: clinical testing. Allele origin: germline. Not counted in ClinVar's aggregate classification.
Comment: This sequence change creates a premature translational stop signal (p.Gln1408*) in the BRCA2 gene. It is expected to result in an absent or disrupted protein product. Loss-of-function variants in BRCA2 are known to be pathogenic (PMID: 20104584). This variant is not present in population databases (gnomAD no frequency). This premature translational stop signal has been observed in individual(s) with breast cancer (PMID: 19818148, 22009639). This variant is also known as 4450C>T. ClinVar contains an entry for this variant (Variation ID: 37889). For these reasons, this variant has been classified as Pathogenic.

Color Diagnostics, LLC DBA Color Health
Classification: Pathogenic for Hereditary cancer-predisposing syndrome. Last evaluated: 2024-12-23. Review status: criteria provided, single submitter. Criteria: ACMG Guidelines, 2015. Collection method: clinical testing. Allele origin: germline. Not counted in ClinVar's aggregate classification.
Comment: This variant changes 1 nucleotide in exon 11 of the BRCA2 gene, creating a premature translation stop signal. This variant is expected to result in an absent or non-functional protein product. This variant has been reported in individuals affected with breast cancer and ovarian cancer (PMID: 19818148, 22009639, 34072659). This variant has not been identified in the general population by the Genome Aggregation Database (gnomAD). Loss of BRCA2 function is a known mechanism of disease. Based on the available evidence, this variant is classified as Pathogenic.

Ambry Genetics
Classification: Pathogenic for Hereditary cancer-predisposing syndrome. Last evaluated: 2024-09-06. Review status: criteria provided, single submitter. Criteria: Ambry Variant Classification Scheme 2023. Collection method: clinical testing. Allele origin: germline. Not counted in ClinVar's aggregate classification.
Comment: The p.Q1408* pathogenic mutation (also known as c.4222C>T), located in coding exon 10 of the BRCA2 gene, results from a C to T substitution at nucleotide position 4222. This changes the amino acid from a glutamine to a stop codon within coding exon 10. This alteration has been identified in multiple individuals diagnosed with breast and/or ovarian cancer (Miolo G et al. BMC Cancer, 2009 Oct;9:360; Bayraktar S et al. Cancer 2012 Mar; 118(6):1515-22; Cardoso FC et al. Hum Genomics, 2018 08;12:39). Additionally, this alteration was identified in a large, worldwide study of BRCA1/2 mutation positive families (Rebbeck TR et al. Hum Mutat, 2018 05;39:593-620). Of note this alteration is also described in the literature as 4450C>T. This variant is considered to be rare based on population cohorts in the Genome Aggregation Database (gnomAD). In addition to the clinical data presented in the literature, this alteration is expected to result in loss of function by premature protein truncation or nonsense-mediated mRNA decay. As such, this alteration is interpreted as a disease-causing mutation.

Baylor Genetics
Classification: Pathogenic for Familial cancer of breast. Last evaluated: 2024-03-18. Review status: criteria provided, single submitter. Criteria: ACMG Guidelines, 2015. Collection method: clinical testing. Allele origin: unknown. Not counted in ClinVar's aggregate classification.

GeneDx
Classification: Pathogenic. Last evaluated: 2023-08-02. Review status: criteria provided, single submitter. Criteria: GeneDx Variant Classification Process June 2021. Collection method: clinical testing. Allele origin: germline. Affected: yes. Not counted in ClinVar's aggregate classification.
Comment: Nonsense variant predicted to result in protein truncation or nonsense mediated decay in a gene for which loss-of-function is a known mechanism of disease; Observed in individuals with breast and/or ovarian cancer (Miolo et al., 2009; Bayraktar et al., 2012; Cardoso et al., 2018; Liang et al., 2018); Not observed at significant frequency in large population cohorts (gnomAD); Truncating variants in this gene are considered pathogenic by a well-established clinical consortium and/or database; Also known as 4450C>T; This variant is associated with the following publications: (PMID: 30787465, 19818148, 22009639, 29681614, 29446198, 30103829, 29907814, 28888541, 32377563, 36556183, 34308104)

All of Us Research Program, National Institutes of Health
Classification: Pathogenic for Breast-ovarian cancer, familial, susceptibility to, 2. Last evaluated: 2022-10-31. Review status: criteria provided, single submitter. Criteria: ACMG Guidelines, 2015. Collection method: clinical testing. Allele origin: germline. Inheritance: Autosomal dominant inheritance. Observed: 1 variant allele, 1 heterozygote. Not counted in ClinVar's aggregate classification.
Comment: This variant changes 1 nucleotide in exon 11 of the BRCA2 gene, creating a premature translation stop signal. This variant is expected to result in an absent or non-functional protein product. This variant has been reported in 1 individual affected with ovarian cancer and 2 individuals affected with breast cancer (PMID: 19818148, 22009639, 34072659). This variant has been identified in 27 families among the CIMBA participants (PMID: 29446198). This variant has not been identified in the general population by the Genome Aggregation Database (gnomAD). Loss of BRCA2 function is a known mechanism of disease. Based on the available evidence, this variant is classified as Pathogenic.

This study involves interpretation of variants in research participants for the purpose of population health screening. Participant phenotype was not available at the time of variant classification. Additional details can be found in publication PMID: 35346344, PMCID: PMC8962531

Quest Diagnostics Nichols Institute San Juan Capistrano
Classification: Pathogenic. Last evaluated: 2022-08-19. Review status: criteria provided, single submitter. Criteria: Quest Diagnostics criteria. Collection method: clinical testing. Allele origin: unknown. Not counted in ClinVar's aggregate classification.
Comment: This variant has not been reported in large, multi-ethnic general populations. In the published literature, the variant has been reported in individuals with personal and/or family history of breast and/or ovarian cancer (PMID: 30103829 (2018), 29907814 (2018), 28888541 (2017), 22009639 (2012), 20104584 (2010), 19818148 (2009)). Based on the available information, this variant is classified as pathogenic.

Revvity Omics, Revvity
Classification: Pathogenic. Last evaluated: 2022-04-21. Review status: criteria provided, single submitter. Criteria: ACMG Guidelines, 2015. Collection method: clinical testing. Allele origin: germline. Not counted in ClinVar's aggregate classification.

NM_000059.4(BRCA2):c.4222C>T (p.Gln1408Ter)

Gene: BRCA2 (BRCA2 DNA repair associated; plus strand). Cytogenetic location: 13q13.1.
Variant type: single nucleotide variant.
Coding change: c.4222C>T on transcript NM_000059.4 (MANE Select); coding-DNA position 4222, C replaced by T.
Protein change: p.Gln1408Ter; replaces glutamine 1408 with a stop codon.
Molecular consequence: nonsense.
Genome position (GRCh38, 1-based): chr13:32,338,577, C>T. VCF-style: chr13-32338577-C-T. GRCh37 (hg19) VCF-style: chr13-32912714-C-T.
Other names: 4450C>T; short protein forms Q1408*.
Identifiers: ClinVar variation 37889 (VCV000037889.40), dbSNP rs80358663, ClinGen allele CA019744.